The following is an entry in ClinVar:

NM_001458.5(FLNC):c.5889G>A (p.Thr1963=)

Genes: FLNC (filamin C; plus strand), FLNC-AS1 (FLNC antisense RNA 1; minus strand). Cytogenetic location: 7q32.1.
Variant type: single nucleotide variant.
Coding change: c.5889G>A on transcript NM_001458.5 (MANE Select); coding-DNA position 5889, G replaced by A.
Protein change: p.Thr1963=; no amino-acid change (threonine 1963 retained).
Molecular consequence: synonymous variant.
Genome position (GRCh38, 1-based): chr7:128,852,637, G>A. VCF-style: chr7-128852637-G-A. GRCh37 (hg19) VCF-style: chr7-128492691-G-A.
Other names: c.5790G>A, p.Thr1930= (NM_001127487.2).
Identifiers: ClinVar variation 539451 (VCV000539451.52), dbSNP rs374743518, ClinGen allele CA4475826.

ClinVar aggregate classification (germline): Benign/Likely benign. Review status: criteria provided, multiple submitters, no conflicts (2 of 4 stars). 8 submissions from 8 submitters: Benign (3); Likely benign (5). Last evaluated 2026-09-21.

Conditions:
Myofibrillar myopathy 5. Also called: Filaminopathy (type); FILAMINOPATHY, AUTOSOMAL DOMINANT. Identifiers: Orphanet 171445, MedGen C1836050, MONDO:0012289, OMIM 609524.
Distal myopathy with posterior leg and anterior hand involvement. Also called: WILLIAMS DISTAL MYOPATHY. Identifiers: Orphanet 63273, MedGen C3279722, MONDO:0013550, OMIM 614065.
Hypertrophic cardiomyopathy 26. Also called: Cardiomyopathy, familial hypertrophic, 26. Identifiers: Orphanet 75249, MedGen C4310749, MONDO:0014883, OMIM 617047.
Cardiovascular phenotype. Identifiers: MedGen CN230736.

Allele frequency attached by ClinVar (database versions not stated): 1000 Genomes Project 30x 0.00016; gnomAD exomes 0.00017 and 0.00044; 1000 Genomes Project 0.00020; TOPMed 0.00020; gnomAD 0.00021 and 0.00023; ExAC 0.00039; ESP Exome Variant Server 0.00040.
gnomAD v4.1: 291 of 1,613,308 alleles (0.018%); highest among the groups gnomAD compares: South Asian, 0.046%; no homozygotes.

Submissions (8):

Molecular Diagnostic Laboratory for Inherited Cardiovascular Disease, Montreal Heart Institute
Classification: Likely benign. Last evaluated: 2026-09-21. Review status: criteria provided, single submitter. Criteria: ACMG Guidelines, 2015. Collection method: clinical testing. Allele origin: germline. Affected: no.
Comment: BS1;BP7

Labcorp Genetics (formerly Invitae), Labcorp
Classification: Benign for Distal myopathy with posterior leg and anterior hand involvement; Myofibrillar myopathy 5; Hypertrophic cardiomyopathy 26. Last evaluated: 2026-02-01. Review status: criteria provided, single submitter. Criteria: Invitae Variant Classification Sherloc (09022015). Collection method: clinical testing. Allele origin: germline.

Women's Health and Genetics/Laboratory Corporation of America, LabCorp
Classification: Benign. Last evaluated: 2026-01-23. Review status: criteria provided, single submitter. Criteria: LabCorp Variant Classification Summary - May 2015. Collection method: clinical testing. Allele origin: germline.

CeGaT Center for Human Genetics Tuebingen
Classification: Likely benign. Last evaluated: 2025-08-01. Review status: criteria provided, single submitter. Criteria: CeGaT Center For Human Genetics Tuebingen Variant Classification Criteria Version 2. Collection method: clinical testing. Allele origin: germline. Affected: yes. Observed: 15 variant alleles.
Comment: FLNC: BP4, BP7

Blueprint Genetics
Classification: Likely benign. Last evaluated: 2024-03-27. Review status: criteria provided, single submitter. Criteria: ACMG Guidelines, 2015. Collection method: clinical testing. Allele origin: germline.

Fulgent Genetics
Classification: Likely benign for Myofibrillar myopathy 5; Distal myopathy with posterior leg and anterior hand involvement; Hypertrophic cardiomyopathy 26. Last evaluated: 2021-09-24. Review status: criteria provided, single submitter. Criteria: ACMG Guidelines, 2015. Collection method: clinical testing. Allele origin: unknown.

Ambry Genetics
Classification: Likely benign for Cardiovascular phenotype. Last evaluated: 2019-07-16. Review status: criteria provided, single submitter. Criteria: Ambry Variant Classification Scheme 2023. Collection method: clinical testing. Allele origin: germline.

GeneDx
Classification: Benign. Last evaluated: 2018-06-12. Review status: criteria provided, single submitter. Criteria: GeneDx Variant Classification (06012015). Collection method: clinical testing. Allele origin: germline. Affected: yes.
Comment: This variant is considered likely benign or benign based on one or more of the following criteria: it is a conservative change, it occurs at a poorly conserved position in the protein, it is predicted to be benign by multiple in silico algorithms, and/or has population frequency not consistent with disease.